The following is an entry in ClinVar:

NM_016373.4(WWOX):c.1019T>C (p.Leu340Pro)

Gene: WWOX (WW domain containing oxidoreductase; plus strand). Cytogenetic location: 16q23.1.
Variant type: single nucleotide variant.
Coding change: c.1019T>C on transcript NM_016373.4 (MANE Select); coding-DNA position 1019, T replaced by C.
Protein change: p.Leu340Pro; replaces leucine 340 with proline.
Molecular consequence: missense variant.
Genome position (GRCh38, 1-based): chr16:78,432,715, T>C. VCF-style: chr16-78432715-T-C. GRCh37 (hg19) VCF-style: chr16-78466612-T-C.
Other names: c.680T>C, p.Leu227Pro (NM_001291997.2); short protein forms L340P, L227P.
Identifiers: ClinVar variation 450103 (VCV000450103.2), dbSNP rs761125565, ClinGen allele CA8183600.

ClinVar aggregate classification (germline): Uncertain significance (1 of 4 stars; one submission).

Allele frequency attached by ClinVar (database versions not stated): ExAC 0.00002; gnomAD 0.00001; gnomAD exomes 0.00002.
gnomAD v4.1: 30 of 1,614,102 alleles (0.0019%); highest among the groups gnomAD compares: South Asian, 0.022%; 1 homozygote.

Submission:

GeneDx
Classification: Uncertain significance. Last evaluated: 2017-06-27. Review status: criteria provided, single submitter. Criteria: GeneDx Variant Classification (06012015). Collection method: clinical testing. Allele origin: germline. Affected: yes.
Comment: A variant of uncertain significance has been identified in the WWOX gene. The L340P variant has not been published as a pathogenic variant, nor has it been reported as a benign variant to our knowledge. The L340P variant is observed in 3/16506 (0.02%) alleles from individuals of South Asian background (Lek et al., 2016; 1000 Genomes Consortium et al., 2015; Exome Variant Server). The L340P variant is a semi-conservative amino acid substitution, which may impact secondary protein structure as these residues differ in some properties. In silico analysis predicts this variant is probably damaging to the protein structure/function. However, this substitution occurs at a position where amino acids with similar properties to Leucine are tolerated across species. Therefore, based on the currently available information, it is unclear whether this variant is a pathogenic variant or a rare benign variant.